The following is an entry in ClinVar:

ClinVar aggregate classification (germline): Uncertain significance (1 of 4 stars; one submission).

Conditions:
Hereditary cancer-predisposing syndrome. Also called: Hereditary Cancer Syndrome; Hereditary neoplastic syndrome; Neoplastic Syndromes, Hereditary; Tumor predisposition. Identifiers: Orphanet 140162, MedGen C0027672, MeSH D009386, MONDO:0015356.

Submission:

Ambry Genetics
Classification: Uncertain significance for Hereditary cancer-predisposing syndrome. Last evaluated: 2020-03-12. Review status: criteria provided, single submitter. Criteria: Ambry Variant Classification Scheme 2023. Collection method: clinical testing. Allele origin: germline.
Comment: The p.F199I variant (also known as c.595T>A), located in coding exon 1 of the HOXB13 gene, results from a T to A substitution at nucleotide position 595. The phenylalanine at codon 199 is replaced by isoleucine, an amino acid with highly similar properties. This amino acid position is not well conserved in available vertebrate species. In addition, this alteration is predicted to be tolerated by in silico analysis. Since supporting evidence is limited at this time, the clinical significance of this alteration remains unclear.

NM_006361.6(HOXB13):c.595T>A (p.Phe199Ile)

Gene: HOXB13 (homeobox B13; minus strand). Cytogenetic location: 17q21.32.
Variant type: single nucleotide variant.
Coding change: c.595T>A on transcript NM_006361.6 (MANE Select); coding-DNA position 595, T replaced by A.
Protein change: p.Phe199Ile; replaces phenylalanine 199 with isoleucine.
Molecular consequence: missense variant.
Genome position (GRCh38, 1-based): chr17:48,727,999, A>T on the plus strand (T>A on the coding strand, the complement: HOXB13 is on the minus strand). VCF-style: chr17-48727999-A-T. GRCh37 (hg19) VCF-style: chr17-46805361-A-T.
Other names: short protein forms F199I.
Identifiers: ClinVar variation 1750733 (VCV001750733.2), dbSNP rs1597933703, ClinGen allele CA400107106.